The following is an entry in ClinVar:

ClinVar aggregate classification (germline): Uncertain significance (1 of 4 stars; one submission).

Conditions:
Dyskeratosis congenita. Identifiers: Orphanet 1775, MedGen C0265965, MONDO:0015780.

Allele frequency attached by ClinVar (database versions not stated): TOPMed 0.00003; gnomAD 0.00004; ESP Exome Variant Server 0.00008; 1000 Genomes Project 30x 0.00031.
gnomAD v4.1: 12 of 1,576,704 alleles (0.00076%); highest among the groups gnomAD compares: African/African-American, 0.0054%; no homozygotes.

Submission:

Labcorp Genetics (formerly Invitae), Labcorp
Classification: Uncertain significance for Dyskeratosis congenita. Last evaluated: 2026-01-14. Review status: criteria provided, single submitter. Criteria: Invitae Variant Classification Sherloc (09022015). Collection method: clinical testing. Allele origin: germline.
Comment: This sequence change replaces aspartic acid, which is acidic and polar, with asparagine, which is neutral and polar, at codon 885 of the CTC1 protein (p.Asp885Asn). This variant is present in population databases (rs370102181, gnomAD 0.002%). This variant has not been reported in the literature in individuals affected with CTC1-related conditions. ClinVar contains an entry for this variant (Variation ID: 1430175). Invitae Evidence Modeling of protein sequence and biophysical properties (such as structural, functional, and spatial information, amino acid conservation, physicochemical variation, residue mobility, and thermodynamic stability) indicates that this missense variant is not expected to disrupt CTC1 protein function with a negative predictive value of 80%. In summary, the available evidence is currently insufficient to determine the role of this variant in disease. Therefore, it has been classified as a Variant of Uncertain Significance.

NM_025099.6(CTC1):c.2653G>A (p.Asp885Asn)

Gene: CTC1 (CST telomere replication complex component 1; minus strand). Cytogenetic location: 17p13.1.
Variant type: single nucleotide variant.
Coding change: c.2653G>A on transcript NM_025099.6 (MANE Select); coding-DNA position 2653, G replaced by A.
Protein change: p.Asp885Asn; replaces aspartic acid 885 with asparagine.
Molecular consequence: missense variant. On other transcripts: non-coding transcript variant (1).
Genome position (GRCh38, 1-based): chr17:8,231,292, C>T on the plus strand (G>A on the coding strand, the complement: CTC1 is on the minus strand). VCF-style: chr17-8231292-C-T. GRCh37 (hg19) VCF-style: chr17-8134610-C-T.
Other names: short protein forms D885N.
Identifiers: ClinVar variation 1430175 (VCV001430175.7), dbSNP rs370102181, ClinGen allele CA8372018.